The following is an entry in ClinVar:

NM_000020.3(ACVRL1):c.1125C>A (p.Tyr375Ter)

Gene: ACVRL1 (activin A receptor like type 1; plus strand). Cytogenetic location: 12q13.13.
Variant type: single nucleotide variant.
Coding change: c.1125C>A on transcript NM_000020.3 (MANE Select); coding-DNA position 1125, C replaced by A.
Protein change: p.Tyr375Ter; replaces tyrosine 375 with a stop codon.
Molecular consequence: nonsense.
Genome position (GRCh38, 1-based): chr12:51,916,112, C>A. VCF-style: chr12-51916112-C-A. GRCh37 (hg19) VCF-style: chr12-52309896-C-A.
Other names: c.1125C>A, p.Tyr375Ter (NM_001077401.2, NM_001406487.1, NM_001406488.1 and 1 more transcripts); c.813C>A, p.Tyr271Ter (NM_001406490.1, NM_001406491.1, NM_001406492.1 and 1 more transcripts); c.561C>A, p.Tyr187Ter (NM_001406495.1); short protein forms Y375*, Y187*, Y271*.
Identifiers: ClinVar variation 1798876 (VCV001798876.2), dbSNP rs2540166457, ClinGen allele CA384902437.

ClinVar aggregate classification (germline): Pathogenic (1 of 4 stars; one submission).

Conditions:
Cardiovascular phenotype. Identifiers: MedGen CN230736.

Submission:

Ambry Genetics
Classification: Pathogenic for Cardiovascular phenotype. Last evaluated: 2022-10-04. Review status: criteria provided, single submitter. Criteria: Ambry Variant Classification Scheme 2023. Collection method: clinical testing. Allele origin: germline.
Comment: The p.Y375* variant (also known as c.1125C>A), located in coding exon 7 of the ACVRL1 gene, results from a C to A substitution at nucleotide position 1125. This changes the amino acid from a tyrosine to a stop codon within coding exon 7. This variant is considered to be rare based on population cohorts in the Genome Aggregation Database (gnomAD). This alteration is expected to result in loss of function by premature protein truncation or nonsense-mediated mRNA decay. As such, this alteration is interpreted as a disease-causing mutation.